The following is an entry in ClinVar:

NM_000321.3(RB1):c.2425del (p.Pro808_Leu809insTer)

Gene: RB1 (RB transcriptional corepressor 1; plus strand). Cytogenetic location: 13q14.2.
Variant type: Deletion.
Coding change: c.2425del on transcript NM_000321.3 (MANE Select); coding-DNA position 2425, one base deleted (C; older notation c.2425delC).
Protein change: p.Pro808_Leu809insTer.
Molecular consequence: nonsense.
Genome position (GRCh38, 1-based): chr13:48,465,304, C deleted; the last of 4 consecutive C bases (chr13:48,465,301-48,465,304); deleting any one gives the same sequence. VCF-style (leftmost placement, unchanged base first): chr13-48465300-AC-A. GRCh37 (hg19) VCF-style: chr13-49039436-AC-A.
Other names: c.2425del, p.Pro808_Leu809insTer (NM_001407165.1).
Identifiers: ClinVar variation 4759393 (VCV004759393.1).

ClinVar aggregate classification (germline): Pathogenic (1 of 4 stars; one submission).

Conditions:
Hereditary retinoblastoma. Identifiers: Orphanet 357027, MedGen C0751483, MONDO:0018160.

Submission:

Ramesar Group, Division of Human Genetics, Institute of Infectious Diseases and Molecular Medicine, UCT/MRC Genomic and Precision Medicine Research Unit, University of Cape Town
Classification: Pathogenic for Hereditary retinoblastoma. Last evaluated: 2025-09-17. Review status: criteria provided, single submitter. Criteria: ACMG Guidelines, 2015. Collection method: research. Allele origin: germline. Affected: yes. Observed: 1 variant allele.
Comment: PVS1: Null variant (nonsense) in a gene (RB1) where LOF is a known mechanism of disease PM2: Absent from gnomAD and ExAC PP4: Patient presents with bilateral retinoblastoma PP5: Reported as pathogenic in the LOVD